The following is an entry in ClinVar:

NM_001148.6(ANK2):c.2179-194C>T

Gene: ANK2 (ankyrin 2; plus strand). Cytogenetic location: 4q26.
Variant type: single nucleotide variant.
Coding change: c.2179-194C>T on transcript NM_001148.6 (MANE Select); 194 bases into the intron before coding-DNA position 2179, C replaced by T.
Molecular consequence: intron variant.
Genome position (GRCh38, 1-based): chr4:113,288,194, C>T. VCF-style: chr4-113288194-C-T. GRCh37 (hg19) VCF-style: chr4-114209350-C-T.
Other names: c.2167-194C>T (NM_001386186.2, NM_001386148.2); c.1969-194C>T (NM_001354269.3); c.2143-194C>T (NM_001386187.2); c.2137-194C>T (NM_001386147.1, NM_001386160.1, NM_001354261.2); c.2116-194C>T (NM_001354254.2, NM_001354239.2, NM_001354252.2 and 10 more transcripts); c.2017-194C>T (NM_001354253.2, NM_001354270.2, NM_001354257.2 and 1 more transcripts); c.2092-194C>T (NM_001354249.2, NM_001354266.2, NM_001354276.2 and 10 more transcripts); c.1993-194C>T (NM_001386151.1, NM_001354260.2, NM_001354271.2); and 8 more.
Identifiers: ClinVar variation 671891 (VCV000671891.1), dbSNP rs29325, ClinGen allele CA103792580.

ClinVar aggregate classification (germline): Benign (1 of 4 stars; one submission).

Allele frequency attached by ClinVar (database versions not stated): 1000 Genomes Project 0.46965; 1000 Genomes Project 30x 0.46986; TOPMed 0.47383; gnomAD 0.47902 and 0.48561.
gnomAD v4.1: 73,741 of 151,980 alleles (49%); highest among the groups gnomAD compares: South Asian, 61%; 18,999 homozygotes.

Submission:

GeneDx
Classification: Benign. Last evaluated: 2018-06-14. Review status: criteria provided, single submitter. Criteria: GeneDx Variant Classification (06012015). Collection method: clinical testing. Allele origin: germline. Affected: yes.
Comment: This variant is considered likely benign or benign based on one or more of the following criteria: it is a conservative change, it occurs at a poorly conserved position in the protein, it is predicted to be benign by multiple in silico algorithms, and/or has population frequency not consistent with disease.